The following is an entry in ClinVar:

ClinVar aggregate classification (germline): Likely pathogenic (1 of 4 stars; one submission).

Conditions:
Familial dysautonomia. Also called: HSAN III; FD. Identifiers: Orphanet 1764, MedGen C0013364, MONDO:0009131, OMIM 223900. Disease mechanism: loss of function.

Submission:

Myriad Genetics, Inc.
Classification: Likely pathogenic for Familial dysautonomia. Last evaluated: 2021-12-16. Review status: criteria provided, single submitter. Criteria: Myriad Women's Health Autosomal Recessive and X-Linked Classification Criteria (2021). Collection method: clinical testing. Allele origin: unknown.
Comment: NM_003640.3(ELP1):c.1027A>T(K343*) is expected to be pathogenic in the context of familial dysautonomia. This variant is predicted to lead to an abnormal or absent protein product due to the creation of a premature termination codon in ELP1, a gene where loss-of-function variants are known to be pathogenic. Please note: this variant was assessed in the context of healthy population screening.

NM_003640.5(ELP1):c.1027A>T (p.Lys343Ter)

Gene: ELP1 (elongator acetyltransferase complex subunit 1; minus strand). Cytogenetic location: 9q31.3.
Variant type: single nucleotide variant.
Coding change: c.1027A>T on transcript NM_003640.5 (MANE Select); coding-DNA position 1027, A replaced by T.
Protein change: p.Lys343Ter; replaces lysine 343 with a stop codon.
Molecular consequence: nonsense. On other transcripts: 5 prime UTR variant (1).
Genome position (GRCh38, 1-based): chr9:108,912,426, T>A on the plus strand (A>T on the coding strand, the complement: ELP1 is on the minus strand). VCF-style: chr9-108912426-T-A. GRCh37 (hg19) VCF-style: chr9-111674706-T-A.
Other names: c.685A>T, p.Lys229Ter (NM_001318360.2); c.-21A>T (NM_001330749.2); short protein forms K229*, K343*.
Identifiers: ClinVar variation 1726314 (VCV001726314.2), dbSNP rs2537926622, ClinGen allele CA374429567.